The following is an entry in ClinVar:

ClinVar aggregate classification (germline): Uncertain significance (1 of 4 stars; one submission).

Conditions:
Hereditary cancer-predisposing syndrome. Also called: Neoplastic Syndromes, Hereditary; Tumor predisposition; Hereditary Cancer Syndrome; Hereditary neoplastic syndrome. Identifiers: Orphanet 140162, MedGen C0027672, MeSH D009386, MONDO:0015356.

Submission:

Ambry Genetics
Classification: Uncertain significance for Hereditary cancer-predisposing syndrome. Last evaluated: 2024-11-19. Review status: criteria provided, single submitter. Criteria: Ambry Variant Classification Scheme 2023. Collection method: clinical testing. Allele origin: germline.
Comment: The p.V321L variant (also known as c.961G>C), located in coding exon 9 of the PMS2 gene, results from a G to C substitution at nucleotide position 961. The valine at codon 321 is replaced by leucine, an amino acid with highly similar properties. This amino acid position is conserved. In addition, the in silico prediction for this alteration is inconclusive. Based on the available evidence, the clinical significance of this variant remains unclear.

NM_000535.7(PMS2):c.961G>C (p.Val321Leu)

Gene: PMS2 (PMS1 homolog 2, mismatch repair system component; minus strand). Cytogenetic location: 7p22.1.
Variant type: single nucleotide variant.
Coding change: c.961G>C on transcript NM_000535.7 (MANE Select); coding-DNA position 961, G replaced by C.
Protein change: p.Val321Leu; replaces valine 321 with leucine.
Molecular consequence: missense variant. On other transcripts: non-coding transcript variant (1), intron variant (1).
Genome position (GRCh38, 1-based): chr7:5,992,000, C>G on the plus strand (G>C on the coding strand, the complement: PMS2 is on the minus strand). VCF-style: chr7-5992000-C-G. GRCh37 (hg19) VCF-style: chr7-6031631-C-G.
Other names: c.556G>C, p.Val186Leu (NM_001322003.2, NM_001322004.2, NM_001322005.2 and 19 more transcripts); c.961G>C, p.Val321Leu (NM_001322006.2, NM_001322014.2, NM_001406870.1 and 2 more transcripts); c.643G>C, p.Val215Leu (NM_001322007.2, NM_001322008.2, NM_001406876.1 and 4 more transcripts); c.28G>C, p.Val10Leu (NM_001322011.2, NM_001322012.2); c.388G>C, p.Val130Leu (NM_001322013.2, NM_001406909.1); c.652G>C, p.Val218Leu (NM_001322015.2, NM_001406875.1, NM_001406877.1 and 6 more transcripts); c.1147G>C, p.Val383Leu (NM_001406866.1); c.985G>C, p.Val329Leu (NM_001406868.1); and 8 more; short protein forms V150L, V383L, V10L, V199L, V209L, V255L, V321L, V329L.
Identifiers: ClinVar variation 3421539 (VCV003421539.1).